The following is an entry in ClinVar:

NM_022455.5(NSD1):c.6101T>G (p.Val2034Gly)

Gene: NSD1 (nuclear receptor binding SET domain protein 1; plus strand). Cytogenetic location: 5q35.3.
Variant type: single nucleotide variant.
Coding change: c.6101T>G on transcript NM_022455.5 (MANE Select); coding-DNA position 6101, T replaced by G.
Protein change: p.Val2034Gly; replaces valine 2034 with glycine.
Molecular consequence: missense variant. On other transcripts: intron variant (1).
Genome position (GRCh38, 1-based): chr5:177,283,878, T>G. VCF-style: chr5-177283878-T-G. GRCh37 (hg19) VCF-style: chr5-176710879-T-G.
Other names: c.5228T>G, p.Val1743Gly (NM_001365684.2, NM_001409308.1, NM_172349.5); c.6101T>G, p.Val2034Gly (NM_001409301.1, NM_001409302.1, NM_001409303.1); c.5681T>G, p.Val1894Gly (NM_001409304.1); c.5348T>G, p.Val1783Gly (NM_001409305.1); c.5339T>G, p.Val1780Gly (NM_001409306.1, NM_001409307.1); c.5136+1297T>G (NM_001409309.1); short protein forms V1780G, V1783G, V1743G, V2034G, V1894G.
Identifiers: ClinVar variation 4746253 (VCV004746253.1).

ClinVar aggregate classification (germline): Pathogenic (1 of 4 stars; one submission).

Submission:

Labcorp Genetics (formerly Invitae), Labcorp
Classification: Pathogenic. Last evaluated: 2025-08-08. Review status: criteria provided, single submitter. Criteria: Invitae Variant Classification Sherloc (09022015). Collection method: clinical testing. Allele origin: germline.
Comment: This sequence change replaces valine, which is neutral and non-polar, with glycine, which is neutral and non-polar, at codon 2034 of the NSD1 protein (p.Val2034Gly). This variant is not present in population databases (gnomAD no frequency). This missense change has been observed in individual(s) with Sotos syndrome (internal data). In at least one individual the variant was observed to be de novo. Invitae Evidence Modeling of protein sequence and biophysical properties (such as structural, functional, and spatial information, amino acid conservation, physicochemical variation, residue mobility, and thermodynamic stability) indicates that this missense variant is expected to disrupt NSD1 protein function with a positive predictive value of 95%. For these reasons, this variant has been classified as Pathogenic.